The following is an entry in ClinVar:

NM_006949.4(STXBP2):c.1156A>G (p.Met386Val)

Gene: STXBP2 (syntaxin binding protein 2; plus strand). Cytogenetic location: 19p13.2.
Variant type: single nucleotide variant.
Coding change: c.1156A>G on transcript NM_006949.4 (MANE Select); coding-DNA position 1156, A replaced by G.
Protein change: p.Met386Val; replaces methionine 386 with valine.
Molecular consequence: missense variant. On other transcripts: non-coding transcript variant (1).
Genome position (GRCh38, 1-based): chr19:7,644,662, A>G. VCF-style: chr19-7644662-A-G. GRCh37 (hg19) VCF-style: chr19-7709548-A-G.
Other names: c.1147A>G, p.Met383Val (NM_001127396.3); c.1189A>G, p.Met397Val (NM_001272034.2); c.1156A>G (NM_006949.2); short protein forms M386V, M383V, M397V.
Identifiers: ClinVar variation 1362716 (VCV001362716.7), dbSNP rs535236814, ClinGen allele CA9144012.
Genomic context (GRCh38, chr19:7,644,662, plus strand): 5'-CCATGCCCGCAGGACCTGGCCATGGGCTCCGACGCAGAGGGGGAGAAGATCAAGGACTCC[A>G]TGAAGCTGATCGTTCCGGTGCTGCTGGACGCGGCGGTGCCCGCCTACGACAAGATCCGGG-3'
Protein context (NP_008880.2, residues 376-396): DAEGEKIKDS[Met386Val]KLIVPVLLDA

ClinVar aggregate classification (germline): Uncertain significance. Review status: criteria provided, multiple submitters, no conflicts (2 of 4 stars). 2 submissions from 2 submitters: Uncertain significance (2). Last evaluated 2025-06-07.

Conditions:
Familial hemophagocytic lymphohistiocytosis 5. Also called: STXBP2-Related Familial Hemophagocytic Lymphohistiocytosis (STXBP2-fHLH). Identifiers: Orphanet 540, MedGen C2751293, MONDO:0013135, OMIM 613101.
Inborn genetic diseases. Identifiers: MedGen C0950123, MeSH D030342.

Allele frequency attached by ClinVar (database versions not stated): gnomAD 0.00001; 1000 Genomes Project 30x 0.00016; 1000 Genomes Project 0.00020; gnomAD exomes below 0.00001; TOPMed below 0.00001; ExAC 0.00001.
gnomAD v4.1: 4 of 1,613,712 alleles (0.00025%); highest among the groups gnomAD compares: Admixed American, 0.0067%; no homozygotes.

Submissions (2):

Ambry Genetics
Classification: Uncertain significance for Inborn genetic diseases. Last evaluated: 2025-06-07. Review status: criteria provided, single submitter. Criteria: Ambry Variant Classification Scheme 2023. Collection method: clinical testing. Allele origin: germline.

Labcorp Genetics (formerly Invitae), Labcorp
Classification: Uncertain significance for Familial hemophagocytic lymphohistiocytosis 5. Last evaluated: 2025-02-17. Review status: criteria provided, single submitter. Criteria: Invitae Variant Classification Sherloc (09022015). Collection method: clinical testing. Allele origin: germline.
Comment: This sequence change replaces methionine, which is neutral and non-polar, with valine, which is neutral and non-polar, at codon 386 of the STXBP2 protein (p.Met386Val). This variant is present in population databases (rs535236814, gnomAD 0.006%). This variant has not been reported in the literature in individuals affected with STXBP2-related conditions. ClinVar contains an entry for this variant (Variation ID: 1362716). Invitae Evidence Modeling of protein sequence and biophysical properties (such as structural, functional, and spatial information, amino acid conservation, physicochemical variation, residue mobility, and thermodynamic stability) indicates that this missense variant is not expected to disrupt STXBP2 protein function with a negative predictive value of 95%. In summary, the available evidence is currently insufficient to determine the role of this variant in disease. Therefore, it has been classified as a Variant of Uncertain Significance.